The following is an entry in ClinVar:

NM_004453.4(ETFDH):c.25T>A (p.Ser9Thr)

Gene: ETFDH (electron transfer flavoprotein dehydrogenase; plus strand). Cytogenetic location: 4q32.1.
Variant type: single nucleotide variant.
Coding change: c.25T>A on transcript NM_004453.4 (MANE Select); coding-DNA position 25, T replaced by A.
Protein change: p.Ser9Thr; replaces serine 9 with threonine.
Molecular consequence: missense variant.
Genome position (GRCh38, 1-based): chr4:158,672,481, T>A. VCF-style: chr4-158672481-T-A. GRCh37 (hg19) VCF-style: chr4-159593633-T-A.
Other names: c.25T>A, p.Ser9Thr (NM_001281737.2); c.25T>A (NM_004453.2); short protein forms S9T.
Identifiers: ClinVar variation 990927 (VCV000990927.7), dbSNP rs1175266968, ClinGen allele CA358573023.
Genomic context (GRCh38, chr4:158,672,481, plus strand): 5'-TGTTGTGTCCGACCGAGAGTCCTGGTGACTTTGAACATGCTGGTGCCGCTAGCCAAGCTG[T>A]CCTGCCTGGGTGAGAGGAAACGGGCGGTGGGGATAAGTGGAGGAGTTAGGGCAAAAGGGA-3'
Protein context (NP_004444.2, residues 1-19): MLVPLAKL[Ser9Thr]CLAYQCFHAL

ClinVar aggregate classification (germline): Uncertain significance. Review status: criteria provided, multiple submitters, no conflicts (2 of 4 stars). 4 submissions from 4 submitters: Uncertain significance (3). 1 of the submissions does not count toward it. Last evaluated 2024-08-14.

Conditions:
Multiple acyl-CoA dehydrogenase deficiency (MADD). Also called: Glutaric acidemia type II; GA 2; ETHYLMALONIC-ADIPICACIDURIA; GA II; Glutaric aciduria, type 2; Glutaric Acidemia type 2. Identifiers: Orphanet 26791, MedGen C0268596, MONDO:0009282, OMIM 231680.

Allele frequency attached by ClinVar (database versions not stated): gnomAD exomes 0.00001 and below 0.00001.
gnomAD v4.1: 4 of 1,614,084 alleles (0.00025%); highest among the groups gnomAD compares: Non-Finnish European, 0.00034%; no homozygotes.

Submissions (4):

Labcorp Genetics (formerly Invitae), Labcorp
Classification: Uncertain significance for Multiple acyl-CoA dehydrogenase deficiency. Last evaluated: 2024-08-14. Review status: criteria provided, single submitter. Criteria: Invitae Variant Classification Sherloc (09022015). Collection method: clinical testing. Allele origin: germline.
Comment: This sequence change replaces serine, which is neutral and polar, with threonine, which is neutral and polar, at codon 9 of the ETFDH protein (p.Ser9Thr). This variant is present in population databases (no rsID available, gnomAD 0.0009%). This variant has not been reported in the literature in individuals affected with ETFDH-related conditions. ClinVar contains an entry for this variant (Variation ID: 990927). Invitae Evidence Modeling of protein sequence and biophysical properties (such as structural, functional, and spatial information, amino acid conservation, physicochemical variation, residue mobility, and thermodynamic stability) indicates that this missense variant is not expected to disrupt ETFDH protein function with a negative predictive value of 95%. In summary, the available evidence is currently insufficient to determine the role of this variant in disease. Therefore, it has been classified as a Variant of Uncertain Significance.

GeneDx
Classification: Uncertain significance. Last evaluated: 2024-02-23. Review status: criteria provided, single submitter. Criteria: GeneDx Variant Classification Process June 2021. Collection method: clinical testing. Allele origin: germline. Affected: yes.
Comment: Not observed at significant frequency in large population cohorts (gnomAD); In silico analysis supports that this missense variant has a deleterious effect on protein structure/function; Has not been previously published as pathogenic or benign to our knowledge

Fulgent Genetics
Classification: Uncertain significance for Multiple acyl-CoA dehydrogenase deficiency. Last evaluated: 2021-09-23. Review status: criteria provided, single submitter. Criteria: ACMG Guidelines, 2015. Collection method: clinical testing. Allele origin: unknown.

Natera, Inc.
Classification: Uncertain significance for Glutaric aciduria type 2. Last evaluated: 2020-04-21. Review status: no assertion criteria provided. Collection method: clinical testing. Allele origin: germline. Not counted in ClinVar's aggregate classification.